The following is an entry in ClinVar:

ClinVar aggregate classification (germline): Likely benign (1 of 4 stars; one submission).

Allele frequency attached by ClinVar (database versions not stated): gnomAD 0.00001; ExAC 0.00002; gnomAD exomes 0.00002; TOPMed 0.00002.
gnomAD v4.1: 30 of 1,614,104 alleles (0.0019%); highest among the groups gnomAD compares: African/African-American, 0.0027%; no homozygotes.

Submission:

CeGaT Center for Human Genetics Tuebingen
Classification: Likely benign. Last evaluated: 2023-09-01. Review status: criteria provided, single submitter. Criteria: CeGaT Center For Human Genetics Tuebingen Variant Classification Criteria Version 2. Collection method: clinical testing. Allele origin: germline. Affected: yes. Observed: 1 variant allele.
Comment: TUBB4A: BP4, BP7

NM_006087.4(TUBB4A):c.612C>T (p.Asn204=)

Gene: TUBB4A (tubulin beta 4A class IVa; minus strand). Cytogenetic location: 19p13.3.
Variant type: single nucleotide variant.
Coding change: c.612C>T on transcript NM_006087.4 (MANE Select); coding-DNA position 612, C replaced by T.
Protein change: p.Asn204=; no amino-acid change (asparagine 204 retained).
Molecular consequence: synonymous variant.
Genome position (GRCh38, 1-based): chr19:6,495,887, G>A on the plus strand (C>T on the coding strand, the complement: TUBB4A is on the minus strand). VCF-style: chr19-6495887-G-A. GRCh37 (hg19) VCF-style: chr19-6495898-G-A.
Other names: c.612C>T, p.Asn204= (NM_001289129.2); c.396C>T, p.Asn132= (NM_001289130.2, NM_001289131.2); c.765C>T, p.Asn255= (NM_001289123.2); c.747C>T, p.Asn249= (NM_001289127.2).
Identifiers: ClinVar variation 2582966 (VCV002582966.25), dbSNP rs770998209, ClinGen allele CA9127345.
Genomic context (GRCh38, chr19:6,495,887, plus strand): 5'-GTCCCCGTAGGTGGGGGTGGTCAGCTTGAGGGTGCGGAAACAGATGTCGTAGAGTGCCTC[G>A]TTGTCGATGCAGTAGGTCTCATCCGTATTCTCCACCAGCTGGTGCACAGACAGCGTGGCG-3'
Protein context (NP_006078.2, residues 194-214): ENTDETYCID[Asn204=]EALYDICFRT